The following is an entry in ClinVar:

ClinVar aggregate classification (germline): Uncertain significance. Review status: criteria provided, multiple submitters, no conflicts (2 of 4 stars). 2 submissions from 2 submitters: Uncertain significance (2). Last evaluated 2025-06-03.

Allele frequency attached by ClinVar (database versions not stated): gnomAD exomes 0.00001 and 0.00002; ExAC 0.00002; gnomAD 0.00006; TOPMed 0.00008; ESP Exome Variant Server 0.00015; 1000 Genomes Project 30x 0.00016; 1000 Genomes Project 0.00020.
gnomAD v4.1: 13 of 1,614,086 alleles (0.00081%); highest among the groups gnomAD compares: African/African-American, 0.011%; no homozygotes.

Submissions (2):

GeneDx
Classification: Uncertain significance. Last evaluated: 2025-06-03. Review status: criteria provided, single submitter. Criteria: GeneDx Variant Classification Process June 2021. Collection method: clinical testing. Allele origin: germline. Affected: yes.
Comment: In silico analysis suggests that this missense variant does not alter protein structure/function; Has not been previously published as pathogenic or benign to our knowledge

Labcorp Genetics (formerly Invitae), Labcorp
Classification: Uncertain significance. Last evaluated: 2022-09-01. Review status: criteria provided, single submitter. Criteria: Invitae Variant Classification Sherloc (09022015). Collection method: clinical testing. Allele origin: germline.
Comment: This variant is present in population databases (rs371622289, gnomAD 0.03%). This sequence change replaces isoleucine, which is neutral and non-polar, with valine, which is neutral and non-polar, at codon 662 of the PLEKHG2 protein (p.Ile662Val). This variant has not been reported in the literature in individuals affected with PLEKHG2-related conditions. Algorithms developed to predict the effect of missense changes on protein structure and function output the following: SIFT: "Deleterious"; PolyPhen-2: "Benign"; Align-GVGD: "Class C25". The valine amino acid residue is found in multiple mammalian species, which suggests that this missense change does not adversely affect protein function. ClinVar contains an entry for this variant (Variation ID: 1037751). In summary, the available evidence is currently insufficient to determine the role of this variant in disease. Therefore, it has been classified as a Variant of Uncertain Significance.

NM_022835.3(PLEKHG2):c.1984A>G (p.Ile662Val)

Gene: PLEKHG2 (pleckstrin homology and RhoGEF domain containing G2; plus strand). Cytogenetic location: 19q13.2.
Variant type: single nucleotide variant.
Coding change: c.1984A>G on transcript NM_022835.3 (MANE Select); coding-DNA position 1984, A replaced by G.
Protein change: p.Ile662Val; replaces isoleucine 662 with valine.
Molecular consequence: missense variant. On other transcripts: intron variant (1).
Genome position (GRCh38, 1-based): chr19:39,423,038, A>G. VCF-style: chr19-39423038-A-G. GRCh37 (hg19) VCF-style: chr19-39913678-A-G.
Other names: c.1984A>G (NM_022835.2); c.1807A>G, p.Ile603Val (NM_001351693.2); c.1677+750A>G (NM_001351694.2); short protein forms I662V, I603V.
Identifiers: ClinVar variation 1037751 (VCV001037751.10), dbSNP rs371622289, ClinGen allele CA9429687.